The following is an entry in ClinVar:

GRCh37/hg19 13q13.3(chr13:35863322-35911764)x1

Gene: NBEA (neurobeachin; plus strand). Cytogenetic location: 13q13.3.
Variant type: copy number loss.
Change: copy number 1 (one copy instead of two) of chr13:35,863,322-35,911,764 (48.4 kb, GRCh37 coordinates, 1-based), cytogenetic band 13q13.3.
Identifiers: ClinVar variation 1340087 (VCV001340087.1).

ClinVar aggregate classification (germline): Likely pathogenic (0 of 4 stars; one submission).

Submission:

Quest Diagnostics Nichols Institute San Juan Capistrano
Classification: Likely pathogenic. Last evaluated: 2021-01-18. Review status: no assertion criteria provided. Collection method: clinical testing. Allele origin: germline.
Comment: The copy number loss of 13q13.3 involves two exons (exons 35-36; NM_015678.4) of an intragenic portion of NBEA (OMIM 604889). This deletion is predicted to disrupt expression of NBEA. Haploinsufficiency of NBEA is associated with an autosomal dominant complex neurodevelopmental disorder characterized by developmental delay and/or intellectual disability and may include epilepsy and autism spectrum disorder. There are larger, partial, or intragenic, deletions that overlap this deletion interval reported in the literature (Mulhern et al. Ann Neurol 2018;84(5):788-795), PMID: 30269351). Additionally, heterozygous sequence variants of NBEA have been identified in multiple individuals with autism spectrum disorder (Wang et al., Nat Commun 2016;7:13316, PMID: 27824329; Guo et al., Mol Autism 2018;9:64, PMID: 30564305; Iossifov et al. Nature 2014 Nov 13;515(7526):216-21, PMID: 25363768). Thus, based on literature review and gene content, this copy number loss is interpreted as likely pathogenic.